The following is an entry in ClinVar:

NM_001351132.2(PEX5):c.1245C>T (p.Asn415=)

Gene: PEX5 (peroxisomal biogenesis factor 5; plus strand). Cytogenetic location: 12p13.31.
Variant type: single nucleotide variant.
Coding change: c.1245C>T on transcript NM_001351132.2 (MANE Select); coding-DNA position 1245, C replaced by T.
Protein change: p.Asn415=; no amino-acid change (asparagine 415 retained).
Molecular consequence: synonymous variant.
Genome position (GRCh38, 1-based): chr12:7,208,520, C>T. VCF-style: chr12-7208520-C-T. GRCh37 (hg19) VCF-style: chr12-7361116-C-T.
Other names: c.1221C>T, p.Asn407= (NM_000319.5); c.1290C>T, p.Asn430= (NM_001131023.2); c.1134C>T, p.Asn378= (NM_001131024.2, NM_001351124.3, NM_001351126.2 and 7 more transcripts); c.1245C>T, p.Asn415= (NM_001131025.2, NM_001131026.2, NM_001300789.3 and 4 more transcripts); c.1179C>T, p.Asn393= (NM_001351135.3, NM_001351138.2); c.1236C>T, p.Asn412= (NM_001351136.2); c.1110C>T, p.Asn370= (NM_001351139.2, NM_001351140.2, NM_001374649.2).
Identifiers: ClinVar variation 167462 (VCV000167462.17), dbSNP rs138243167, ClinGen allele CA234541.

ClinVar aggregate classification (germline): Conflicting classifications of pathogenicity. Review status: criteria provided, conflicting classifications (1 of 4 stars). 4 submissions from 4 submitters: Uncertain significance (1); Likely benign (2). 1 of the submissions does not count toward it. Last evaluated 2025-11-21.

Conditions:
PEX5-related disorder. Also called: PEX5-Related Disorders; PEX5-related condition.
Peroxisome biogenesis disorder 2B (PBD2B). Identifiers: Orphanet 44, MedGen C3550234, MONDO:0008736, OMIM 202370.

Allele frequency attached by ClinVar (database versions not stated): gnomAD exomes 0.00005 and 0.00006; ExAC 0.00007; ESP Exome Variant Server 0.00008; TOPMed 0.00008; gnomAD 0.00009.
gnomAD v4.1: 84 of 1,614,026 alleles (0.0052%); highest among the groups gnomAD compares: African/African-American, 0.013%; no homozygotes.

Submissions (4):

Labcorp Genetics (formerly Invitae), Labcorp
Classification: Likely benign for Peroxisome biogenesis disorder 2B. Last evaluated: 2025-11-21. Review status: criteria provided, single submitter. Criteria: Invitae Variant Classification Sherloc (09022015). Collection method: clinical testing. Allele origin: germline.

Blueprint Genetics
Classification: Likely benign. Last evaluated: 2024-11-05. Review status: criteria provided, single submitter. Criteria: ACMG Guidelines, 2015. Collection method: clinical testing. Allele origin: germline.

Eurofins Ntd Llc (ga)
Classification: Uncertain significance. Last evaluated: 2014-01-27. Review status: criteria provided, single submitter. Criteria: EGL Classification Definitions 2015. Collection method: clinical testing. Allele origin: germline. Observed: 1 variant allele, 1 heterozygote.

PreventionGenetics, part of Exact Sciences
Classification: Likely benign for PEX5-related condition. Last evaluated: 2021-12-09. Review status: no assertion criteria provided. Collection method: clinical testing. Allele origin: germline. Not counted in ClinVar's aggregate classification.
Comment: This variant is classified as likely benign based on ACMG/AMP sequence variant interpretation guidelines (Richards et al. 2015 PMID: 25741868, with internal and published modifications).